The following is an entry in ClinVar:

NM_000126.4(ETFA):c.806TAG[1] (p.Val270del)

Gene: ETFA (electron transfer flavoprotein subunit alpha; minus strand). Cytogenetic location: 15q24.2.
Variant type: Microsatellite.
Coding change: c.806TAG[1] on transcript NM_000126.4 (MANE Select); one copy of the 3-base unit TAG starting at c.806; the reference has two copies in a row; one copy, 3 bases deleted; also written c.809_811del.
Protein change: p.Val270del; deletes valine 270.
Molecular consequence: inframe deletion.
Genome position (GRCh38, 1-based): chr15:76,274,417-76,274,419, CTA deleted on the plus strand (TAG on the coding strand, the reverse complement: ETFA is on the minus strand); deleting any 3 consecutive bases within chr15:76,274,417-76,274,422 gives the same sequence; the position shown is the placement nearest the transcript's 3' end. VCF-style (leftmost placement, unchanged base first): chr15-76274416-GCTA-G. GRCh37 (hg19) VCF-style: chr15-76566757-GCTA-G.
Other names: c.809_811delTAG (NM_000126.3); c.809_811del (NM_000126.4); c.659TAG[1], p.Val221del (NM_001127716.2); short protein forms V221del, V270del.
Identifiers: ClinVar variation 1209001 (VCV001209001.19), dbSNP rs779140971, ClinGen allele CA7673618.

ClinVar aggregate classification (germline): Conflicting classifications of pathogenicity. Review status: criteria provided, conflicting classifications (1 of 4 stars). 9 submissions from 9 submitters: Likely pathogenic (6); Uncertain significance (2). 1 of the submissions does not count toward it. Last evaluated 2025-07-28.

Conditions:
Glutaric acidemia type 2A.
Glutaric acidemia IIa. Also called: ETFA deficiency. Identifiers: MedGen C3278154, MONDO:0700073.
Multiple acyl-CoA dehydrogenase deficiency (MADD). Also called: Glutaric Acidemia type 2; Glutaric aciduria, type 2; Glutaric acidemia type II; GA 2; ETHYLMALONIC-ADIPICACIDURIA; GA II. Identifiers: Orphanet 26791, MedGen C0268596, MONDO:0009282, OMIM 231680.

Submissions (9):

Natera, Inc.
Classification: Likely pathogenic for Glutaric acidemia type 2A. Last evaluated: 2025-07-28. Review status: criteria provided, single submitter. Criteria: Natera Variant Classification Schema (03/2026). Collection method: clinical testing. Allele origin: germline.
Comment: The c.809_811delTAG variant in ETFA is an in-frame deletion predicted to remove valine at amino acid 270 while preserving the reading frame. This variant is rare in the general population with a frequency below the threshold expected for the associated phenotype(s). This variant has been observed in one or more individuals affected with the associated recessive disease, as either homozygous or compound heterozygous with a second variant (PMID: 1430199). This variant results in a change to the protein length while preserving reading frame, which may disrupt normal protein structure or function. Computational prediction algorithms indicate this variant is likely to affect gene or protein function. Given the available evidence, this variant is classified as Likely Pathogenic.

ARUP Laboratories, Molecular Genetics and Genomics, ARUP Laboratories
Classification: Likely pathogenic for Multiple acyl-CoA dehydrogenase deficiency. Last evaluated: 2025-07-18. Review status: criteria provided, single submitter. Criteria: ARUP Molecular Germline Variant Investigation Process 2024. Collection method: clinical testing. Allele origin: germline.
Comment: The ETFA c.809_811del; p.Val270del variant (rs779140971, ClinVar Variation ID: 1209001) is reported in the literature in the compound heterozygous state in two individuals affected with glutaric acidemia type II/multiple acyl-CoA dehydrogenase deficiency-like phenotypes (Freneaux 1992, van Rijt 2020). This variant is found in the non-Finnish European population with an allele frequency of 0.006% (8/125042 alleles) in the Genome Aggregation Database (v2.1.1). This variant deletes a single valine residue leaving the rest of the protein in-frame. In vitro functional analyses demonstrate the p.Val270del variant impairs protein stability, reducing alpha-ETF levels and disrupting mitochondrial fatty acid oxidation (Freneaux 1992). Based on available information, this variant is considered to be likely pathogenic. References: Freneaux et al. Glutaric acidemia type II. Heterogeneity in beta-oxidation flux, polypeptide synthesis, and complementary DNA mutations in the alpha subunit of electron transfer flavoprotein in eight patients. J Clin Invest. 1992 Nov;90(5):1679-86. PMID: 1430199. van Rijt et al. Efficacy and safety of D,L-3-hydroxybutyrate (D,L-3-HB) treatment in multiple acyl-CoA dehydrogenase deficiency Genet Med. 2020 May;22(5):908-916. PMID: 31904027.

GeneDx
Classification: Likely pathogenic. Last evaluated: 2024-11-19. Review status: criteria provided, single submitter. Criteria: GeneDx Variant Classification Process June 2021. Collection method: clinical testing. Allele origin: germline. Affected: yes.
Comment: In silico analysis supports a deleterious effect on protein structure/function; Not observed at significant frequency in large population cohorts (gnomAD); In-frame deletion of 1 amino acid(s) in a non-repeat region; This variant is associated with the following publications: (PMID: 1430199, 31904027)

Fulgent Genetics
Classification: Likely pathogenic for Multiple acyl-CoA dehydrogenase deficiency. Last evaluated: 2024-05-31. Review status: criteria provided, single submitter. Criteria: ACMG Guidelines, 2015. Collection method: clinical testing. Allele origin: germline.

Blueprint Genetics
Classification: Uncertain significance. Last evaluated: 2024-03-20. Review status: criteria provided, single submitter. Criteria: ACMG Guidelines, 2015. Collection method: clinical testing. Allele origin: germline.

Baylor Genetics
Classification: Likely pathogenic for Multiple acyl-CoA dehydrogenase deficiency. Last evaluated: 2024-03-08. Review status: criteria provided, single submitter. Criteria: ACMG Guidelines, 2015. Collection method: clinical testing. Allele origin: unknown.

Labcorp Genetics (formerly Invitae), Labcorp
Classification: Uncertain significance for Multiple acyl-CoA dehydrogenase deficiency. Last evaluated: 2022-09-20. Review status: criteria provided, single submitter. Criteria: Invitae Variant Classification Sherloc (09022015). Collection method: clinical testing. Allele origin: germline.
Comment: This variant, c.809_811del, results in the deletion of 1 amino acid(s) of the ETFA protein (p.Val270del), but otherwise preserves the integrity of the reading frame. This variant is present in population databases (rs779140971, gnomAD 0.007%). This variant has been observed in individual(s) with glutaric aciduria type 2 (PMID: 1430199). ClinVar contains an entry for this variant (Variation ID: 1209001). Experimental studies and prediction algorithms are not available or were not evaluated, and the functional significance of this variant is currently unknown. In summary, the available evidence is currently insufficient to determine the role of this variant in disease. Therefore, it has been classified as a Variant of Uncertain Significance.

Revvity Omics, Revvity
Classification: Likely pathogenic for Multiple acyl-CoA dehydrogenase deficiency. Last evaluated: 2021-09-13. Review status: criteria provided, single submitter. Criteria: ACMG Guidelines, 2015. Collection method: clinical testing. Allele origin: germline.

OMIM
Classification: Pathogenic for GLUTARIC ACIDEMIA IIA. Last evaluated: 1992-11-01. Review status: no assertion criteria provided. Collection method: literature only. Allele origin: germline. Not counted in ClinVar's aggregate classification.

Literature cited by the submitters: PubMed 1430199 (cited by 3 submitters).